The following is an entry in ClinVar:

NM_001267550.2(TTN):c.8903-2A>T

Gene: TTN (titin; minus strand). Cytogenetic location: 2q31.2.
Variant type: single nucleotide variant.
Coding change: c.8903-2A>T on transcript NM_001267550.2 (MANE Select); the canonical splice acceptor site of the intron before coding-DNA position 8903, A replaced by T.
Molecular consequence: splice acceptor variant.
Genome position (GRCh38, 1-based): chr2:178,768,935, T>A on the plus strand (A>T on the coding strand, the complement: TTN is on the minus strand). VCF-style: chr2-178768935-T-A. GRCh37 (hg19) VCF-style: chr2-179633662-T-A.
Other names: c.8765-2A>T (NM_003319.4, NM_133437.4, NM_133432.3); c.8903-2A>T (NM_133378.4, NM_001256850.1, NM_133379.5).
Identifiers: ClinVar variation 2941858 (VCV002941858.3), dbSNP rs2532406862, ClinGen allele CA349676347.

ClinVar aggregate classification (germline): Pathogenic (1 of 4 stars; one submission).

Conditions:
Dilated cardiomyopathy 1G (CMD1G). Identifiers: Orphanet 154, MedGen C1858763, MONDO:0011400, OMIM 604145.
Autosomal recessive limb-girdle muscular dystrophy type 2J (LGMDR10). Also called: Limb-girdle muscular dystrophy, type 2J; MUSCULAR DYSTROPHY, LIMB-GIRDLE, AUTOSOMAL RECESSIVE 10. Identifiers: Orphanet 140922, MedGen C1837342, MONDO:0012127, OMIM 608807.

Submission:

Labcorp Genetics (formerly Invitae), Labcorp
Classification: Pathogenic for Dilated cardiomyopathy 1G; Autosomal recessive limb-girdle muscular dystrophy type 2J. Last evaluated: 2026-01-19. Review status: criteria provided, single submitter. Criteria: Invitae Variant Classification Sherloc (09022015). Collection method: clinical testing. Allele origin: germline.
Comment: This sequence change affects an acceptor splice site in intron 37 of the TTN gene. It is expected to disrupt RNA splicing and likely results in a truncated or disrupted TTN protein. This variant is not present in population databases (gnomAD no frequency). Disruption of this splice site has been observed in individuals with dilated cardiomyopathy (internal data). ClinVar contains an entry for this variant (Variation ID: 2941858). Algorithms developed to predict the effect of sequence changes on RNA splicing suggest that this variant may disrupt the consensus splice site. This variant is located in the I band of TTN (PMID: 25589632). Truncating variants in this region have been reported in individuals affected with autosomal recessive centronuclear myopathy (PMID: 23975875, internal data). Truncating variants in this region have also been identified in individuals affected with autosomal dominant dilated cardiomyopathy and/or cardio-related conditions (PMID: 27869827, 32964742, internal data). For these reasons, this variant has been classified as Pathogenic.

Literature cited by the submitters: PubMed 25589632; PubMed 23975875; PubMed 27869827; PubMed 32964742.